The following is an entry in ClinVar:

NM_001036.6(RYR3):c.6390G>A (p.Ser2130=)

Gene: RYR3 (ryanodine receptor 3; plus strand). Cytogenetic location: 15q14.
Variant type: single nucleotide variant.
Coding change: c.6390G>A on transcript NM_001036.6 (MANE Select); coding-DNA position 6390, G replaced by A.
Protein change: p.Ser2130=; no amino-acid change (serine 2130 retained).
Molecular consequence: synonymous variant.
Genome position (GRCh38, 1-based): chr15:33,700,987, G>A. VCF-style: chr15-33700987-G-A. GRCh37 (hg19) VCF-style: chr15-33993188-G-A.
Other names: c.6390G>A, p.Ser2130= (NM_001243996.4).
Identifiers: ClinVar variation 715198 (VCV000715198.33), dbSNP rs187165112, ClinGen allele CA7459556.

ClinVar aggregate classification (germline): Likely benign. Review status: criteria provided, multiple submitters, no conflicts (2 of 4 stars). 2 submissions from 2 submitters: Likely benign (2). Last evaluated 2024-11-11.

Conditions:
Epileptic encephalopathy. Identifiers: MedGen C0543888, HP:0200134.

Allele frequency attached by ClinVar (database versions not stated): gnomAD 0.00001 and 0.00002; TOPMed 0.00002; gnomAD exomes 0.00003; ExAC 0.00004; 1000 Genomes Project 30x 0.00031; 1000 Genomes Project 0.00040.
gnomAD v4.1: 27 of 1,612,642 alleles (0.0017%); highest among the groups gnomAD compares: Middle Eastern, 0.033%; no homozygotes.

Submissions (2):

Labcorp Genetics (formerly Invitae), Labcorp
Classification: Likely benign for Epileptic encephalopathy. Last evaluated: 2024-11-11. Review status: criteria provided, single submitter. Criteria: Invitae Variant Classification Sherloc (09022015). Collection method: clinical testing. Allele origin: germline.

CeGaT Center for Human Genetics Tuebingen
Classification: Likely benign. Last evaluated: 2022-11-01. Review status: criteria provided, single submitter. Criteria: CeGaT Center For Human Genetics Tuebingen Variant Classification Criteria Version 2. Collection method: clinical testing. Allele origin: germline. Affected: yes. Observed: 1 variant allele.
Comment: RYR3: BP4, BP7